The following is an entry in ClinVar:

NM_001048174.2(MUTYH):c.343G>C (p.Ala115Pro)

Gene: MUTYH (mutY DNA glycosylase; minus strand). Cytogenetic location: 1p34.1.
Variant type: single nucleotide variant.
Coding change: c.343G>C on transcript NM_001048174.2 (MANE Select); coding-DNA position 343, G replaced by C.
Protein change: p.Ala115Pro; replaces alanine 115 with proline.
Molecular consequence: missense variant. On other transcripts: non-coding transcript variant (6), intron variant (3).
Genome position (GRCh38, 1-based): chr1:45,333,132, C>G on the plus strand (G>C on the coding strand, the complement: MUTYH is on the minus strand). VCF-style: chr1-45333132-C-G. GRCh37 (hg19) VCF-style: chr1-45798804-C-G.
Other names: c.427G>C, p.Ala143Pro (NM_001128425.2); c.388G>C, p.Ala130Pro (NM_001293190.2); c.376G>C, p.Ala126Pro (NM_001293191.2, NM_001407077.1); c.67G>C, p.Ala23Pro (NM_001293192.2, NM_001407091.1, NM_001293196.2); c.346G>C, p.Ala116Pro (NM_001407079.1, NM_001407086.1, NM_001048172.2 and 2 more transcripts); c.343G>C, p.Ala115Pro (NM_001407080.1, NM_001407081.1, NM_001407088.1 and 6 more transcripts); c.385G>C, p.Ala129Pro (NM_001407083.1, NM_001407085.1, NM_001407073.1); c.418G>C, p.Ala140Pro (NM_012222.3, NM_001407069.1); and 3 more; short protein forms A143P, A87P, A126P, A140P, A115P, A130P, A116P, A122P.
Identifiers: ClinVar variation 4113651 (VCV004113651.1).
Genomic context (GRCh38, chr1:45,333,132, plus strand): 5'-CCTTCCCTTCCTCCCCTGGAGTCACCTGCATCCATCCGGTATAGTAGTTGATCACAGTGG[C>G]AACCTGGGTCTGCTGCAGCATGACCTCTGAGACCCACACTGGGGGAAAGGGGTTGGCATG-3'
Protein context (NP_001041639.1, residues 105-125): SEVMLQQTQV[Ala115Pro]TVINYYTGWM

ClinVar aggregate classification (germline): Uncertain significance (1 of 4 stars; one submission).

Conditions:
Hereditary cancer-predisposing syndrome. Also called: Hereditary neoplastic syndrome; Neoplastic Syndromes, Hereditary; Tumor predisposition; Hereditary Cancer Syndrome. Identifiers: Orphanet 140162, MedGen C0027672, MeSH D009386, MONDO:0015356.

Submission:

Ambry Genetics
Classification: Uncertain significance for Hereditary cancer-predisposing syndrome. Last evaluated: 2025-08-27. Review status: criteria provided, single submitter. Criteria: Ambry Variant Classification Scheme 2023. Collection method: clinical testing. Allele origin: germline.
Comment: The p.A143P variant (also known as c.427G>C), located in coding exon 5 of the MUTYH gene, results from a G to C substitution at nucleotide position 427. The alanine at codon 143 is replaced by proline, an amino acid with highly similar properties. This amino acid position is conserved. In addition, the in silico prediction for this alteration is inconclusive. Based on the available evidence, the clinical significance of this variant remains unclear.